The following is an entry in ClinVar:

ClinVar aggregate classification (germline): Likely pathogenic (1 of 4 stars; one submission).

Submission:

Labcorp Genetics (formerly Invitae), Labcorp
Classification: Likely pathogenic. Last evaluated: 2023-09-08. Review status: criteria provided, single submitter. Criteria: Invitae Variant Classification Sherloc (09022015). Collection method: clinical testing. Allele origin: germline.
Comment: This sequence change replaces arginine, which is basic and polar, with proline, which is neutral and non-polar, at codon 4187 of the USH2A protein (p.Arg4187Pro). This variant is not present in population databases (gnomAD no frequency). This missense change has been observed in individual(s) with deafness (Invitae). In at least one individual the data is consistent with being in trans (on the opposite chromosome) from a pathogenic variant. It has also been observed to segregate with disease in related individuals. Advanced modeling of protein sequence and biophysical properties (such as structural, functional, and spatial information, amino acid conservation, physicochemical variation, residue mobility, and thermodynamic stability) performed at Invitae indicates that this missense variant is not expected to disrupt USH2A protein function. This variant disrupts the p.Arg4187 amino acid residue in USH2A. Other variant(s) that disrupt this residue have been determined to be pathogenic (PMID: 24938718, 31054281, 32050993, 32188678, 33090715; Invitae). This suggests that this residue is clinically significant, and that variants that disrupt this residue are likely to be disease-causing. In summary, the currently available evidence indicates that the variant is pathogenic, but additional data are needed to prove that conclusively. Therefore, this variant has been classified as Likely Pathogenic.

Literature cited by the submitters: PubMed 24938718; PubMed 31054281; PubMed 32050993; PubMed 32188678; PubMed 33090715.

NM_206933.4(USH2A):c.12560G>C (p.Arg4187Pro)

Gene: USH2A (usherin; minus strand). Cytogenetic location: 1q41.
Variant type: single nucleotide variant.
Coding change: c.12560G>C on transcript NM_206933.4 (MANE Select); coding-DNA position 12560, G replaced by C.
Protein change: p.Arg4187Pro; replaces arginine 4187 with proline.
Molecular consequence: missense variant.
Genome position (GRCh38, 1-based): chr1:215,675,351, C>G on the plus strand (G>C on the coding strand, the complement: USH2A is on the minus strand). VCF-style: chr1-215675351-C-G. GRCh37 (hg19) VCF-style: chr1-215848693-C-G.
Other names: short protein forms R4187P.
Identifiers: ClinVar variation 2747886 (VCV002747886.3), dbSNP rs147304271, ClinGen allele CA344850639.
Genomic context (GRCh38, chr1:215,675,351, plus strand): 5'-GCCTGGATTGTCTGATTTCCCCAAGCTTTTCCCTCGAAGCATCTGCGAATCACTTCATAG[C>G]GAATTATTTTTCCATTTGGGTTAACAGGCTCAGACCAGCTCAGCTCAACACTGGTGGACT-3'
Protein context (NP_996816.3, residues 4177-4197): EPVNPNGKII[Arg4187Pro]YEVIRRCFEG